The following is an entry in ClinVar:

NM_002485.5(NBN):c.1124+37C>G

Gene: NBN (nibrin; minus strand). Cytogenetic location: 8q21.3.
Variant type: single nucleotide variant.
Coding change: c.1124+37C>G on transcript NM_002485.5 (MANE Select); 37 bases into the intron after coding-DNA position 1124, C replaced by G.
Molecular consequence: intron variant.
Genome position (GRCh38, 1-based): chr8:89,958,688, G>C on the plus strand (C>G on the coding strand, the complement: NBN is on the minus strand). VCF-style: chr8-89958688-G-C. GRCh37 (hg19) VCF-style: chr8-90970916-G-C.
Other names: c.878+37C>G (NM_001024688.3).
Identifiers: ClinVar variation 553588 (VCV000553588.2), dbSNP rs577575764, ClinGen allele CA4802797.
Genomic context (GRCh38, chr8:89,958,688, plus strand): 5'-TCTCAAGAGACAACCTGATAAAGGGCATTACTTCCTGAATATACTATTAATTTATTGATA[G>C]AATAATAACAATAGTACGGTAATGAAGAAGCTTTACCATGTATCTGCTTGCTCTGATTCT-3'

ClinVar aggregate classification (germline): Likely benign. Review status: criteria provided, single submitter (1 of 4 stars). 2 submissions from 2 submitters: Likely benign (1). 1 of the submissions does not count toward it. Last evaluated 2018-06-18.

Conditions:
Microcephaly, normal intelligence and immunodeficiency (NBS). Also called: Ataxia telangiectasia variant V1; IMMUNODEFICIENCY, MICROCEPHALY, AND CHROMOSOMAL INSTABILITY; SEEMANOVA SYNDROME II; Nijmegen breakage syndrome; Microcephaly with normal intelligence immunodeficiency and lymphoreticular malignancies; Nonsyndromal microcephaly autosomal recessive with normal intelligence. Identifiers: Orphanet 647, MedGen C0398791, MONDO:0009623, OMIM 251260.

Allele frequency attached by ClinVar (database versions not stated): gnomAD 0.00002 and 0.00045; TOPMed 0.00006; gnomAD exomes 0.00060 and 0.00124; ExAC 0.00138; 1000 Genomes Project 30x 0.00250; 1000 Genomes Project 0.00280.
gnomAD v4.1: 931 of 1,598,358 alleles (0.058%); highest among the groups gnomAD compares: South Asian, 0.97%; 19 homozygotes.

Submissions (2):

GeneDx
Classification: Likely benign. Last evaluated: 2018-06-18. Review status: criteria provided, single submitter. Criteria: GeneDx Variant Classification (06012015). Collection method: clinical testing. Allele origin: germline. Affected: yes.
Comment: This variant is considered likely benign or benign based on one or more of the following criteria: it is a conservative change, it occurs at a poorly conserved position in the protein, it is predicted to be benign by multiple in silico algorithms, and/or has population frequency not consistent with disease.

Counsyl
Classification: Likely benign for Microcephaly, normal intelligence and immunodeficiency. Last evaluated: 2017-08-31. Review status: no assertion criteria provided. Collection method: clinical testing. Allele origin: unknown. Not counted in ClinVar's aggregate classification.